The following is an entry in ClinVar:

ClinVar aggregate classification (germline): Uncertain significance (1 of 4 stars; one submission).

Conditions:
FADD-related immunodeficiency. Also called: FADD DEFICIENCY; Infections, recurrent, with encephalopathy, hepatic dysfunction, and cardiovascular malformations. Identifiers: Orphanet 306550, MedGen C3151062, MONDO:0013408, OMIM 613759.

Allele frequency attached by ClinVar (database versions not stated): TOPMed below 0.00001; gnomAD 0.00002; ExAC 0.00003.
gnomAD v4.1: 45 of 1,598,558 alleles (0.0028%); highest among the groups gnomAD compares: Non-Finnish European, 0.0037%; no homozygotes.

Submission:

Labcorp Genetics (formerly Invitae), Labcorp
Classification: Uncertain significance for Infections, recurrent, with encephalopathy, hepatic dysfunction, and cardiovascular malformations. Last evaluated: 2018-02-26. Review status: criteria provided, single submitter. Criteria: Invitae Variant Classification Sherloc (09022015). Collection method: clinical testing. Allele origin: germline.
Comment: This sequence change replaces valine with methionine at codon 11 of the FADD protein (p.Val11Met). The valine residue is weakly conserved and there is a small physicochemical difference between valine and methionine. This variant is present in population databases (rs753665798, ExAC 0.005%). This variant has not been reported in the literature in individuals with FADD-related disease. Algorithms developed to predict the effect of missense changes on protein structure and function output the following: SIFT: "Deleterious"; PolyPhen-2: "Benign"; Align-GVGD: "Class C0". The methionine amino acid residue is found in multiple mammalian species, suggesting that this missense change does not adversely affect protein function. These predictions have not been confirmed by published functional studies and their clinical significance is uncertain. In summary, the available evidence is currently insufficient to determine the role of this variant in disease. Therefore, it has been classified as a Variant of Uncertain Significance.

NM_003824.4(FADD):c.31G>A (p.Val11Met)

Gene: FADD (Fas associated via death domain; plus strand). Cytogenetic location: 11q13.3.
Variant type: single nucleotide variant.
Coding change: c.31G>A on transcript NM_003824.4 (MANE Select); coding-DNA position 31, G replaced by A.
Protein change: p.Val11Met; replaces valine 11 with methionine.
Molecular consequence: missense variant.
Genome position (GRCh38, 1-based): chr11:70,203,490, G>A. VCF-style: chr11-70203490-G-A. GRCh37 (hg19) VCF-style: chr11-70049596-G-A.
Other names: short protein forms V11M.
Identifiers: ClinVar variation 579410 (VCV000579410.1), dbSNP rs753665798, ClinGen allele CA6158389.